The following is an entry in ClinVar:

ClinVar aggregate classification (germline): Pathogenic (1 of 4 stars; one submission).

Submission:

Labcorp Genetics (formerly Invitae), Labcorp
Classification: Pathogenic. Last evaluated: 2025-03-12. Review status: criteria provided, single submitter. Criteria: Invitae Variant Classification Sherloc (09022015). Collection method: clinical testing. Allele origin: germline.
Comment: This sequence change creates a premature translational stop signal (p.Val449Cysfs*29) in the RAI1 gene. It is expected to result in an absent or disrupted protein product. Loss-of-function variants in RAI1 are known to be pathogenic (PMID: 21857958, 24715852). This variant is not present in population databases (gnomAD no frequency). This variant has not been reported in the literature in individuals affected with RAI1-related conditions. For these reasons, this variant has been classified as Pathogenic.

Literature cited by the submitters: PubMed 21857958; PubMed 24715852.

NM_030665.4(RAI1):c.1344_1345insT (p.Val449fs)

Gene: RAI1 (retinoic acid induced 1; plus strand). Cytogenetic location: 17p11.2.
Variant type: Insertion.
Coding change: c.1344_1345insT on transcript NM_030665.4 (MANE Select); coding-DNA positions 1344 to 1345, T inserted.
Protein change: p.Val449fs; shifts the reading frame from valine 449.
Molecular consequence: frameshift variant.
Genome position: GRCh38 VCF-style: chr17-17794292-C-CT. GRCh37 (hg19) VCF-style: chr17-17697606-C-CT.
Other names: short protein forms V449fs.
Identifiers: ClinVar variation 4744836 (VCV004744836.1).